The following is an entry in ClinVar:

NM_003238.6(TGFB2):c.727del (p.Ser243fs)

Gene: TGFB2 (transforming growth factor beta 2; plus strand). Cytogenetic location: 1q41.
Variant type: Deletion.
Coding change: c.727del on transcript NM_003238.6 (MANE Select); coding-DNA position 727, one base deleted (A; older notation c.727delA).
Protein change: p.Ser243fs; shifts the reading frame from serine 243.
Molecular consequence: frameshift variant. On other transcripts: non-coding transcript variant (2).
Genome position (GRCh38, 1-based): chr1:218,434,421, A deleted; the last of 4 consecutive A bases (chr1:218,434,418-218,434,421); deleting any one gives the same sequence. VCF-style (leftmost placement, unchanged base first): chr1-218434417-TA-T. GRCh37 (hg19) VCF-style: chr1-218607759-TA-T.
Other names: c.811del, p.Ser271fs (NM_001135599.4); short protein forms S243fs, S271fs.
Identifiers: ClinVar variation 4526432 (VCV004526432.2).

ClinVar aggregate classification (germline): Likely pathogenic (1 of 4 stars; one submission).

Conditions:
Loeys-Dietz syndrome 4 (LDS4). Also called: ANEURYSM, AORTIC AND CEREBRAL, WITH ARTERIAL TORTUOSITY AND SKELETAL MANIFESTATIONS; TGFB2-Related Loeys-Dietz Syndrome. Identifiers: MedGen C3553762, MONDO:0013897, OMIM 614816.

Submission:

Clinical Genetics Laboratory, Region Ostergotland
Classification: Likely pathogenic for Loeys-Dietz syndrome 4. Last evaluated: 2025-09-18. Review status: criteria provided, single submitter. Criteria: ACMG Guidelines, 2015. Collection method: clinical testing. Allele origin: germline. Affected: yes.
Comment: The following ACMG/AMP criteria were applied in classifying this variant: PVS1, PM2